The following is an entry in ClinVar:

ClinVar aggregate classification (germline): Uncertain significance. Review status: criteria provided, multiple submitters, no conflicts (2 of 4 stars). 2 submissions from 2 submitters: Uncertain significance (2). Last evaluated 2026-06-30.

Conditions:
RASopathy. Also called: Noonan spectrum disorder; rasopathies. Identifiers: Orphanet 536391, MedGen C5555857, MONDO:0021060.

Allele frequency attached by ClinVar (database versions not stated): TOPMed below 0.00001; ExAC 0.00001; gnomAD 0.00001; gnomAD exomes 0.00001.

Submissions (2):

Women's Health and Genetics/Laboratory Corporation of America, LabCorp
Classification: Uncertain significance. Last evaluated: 2026-06-30. Review status: criteria provided, single submitter. Criteria: LabCorp Variant Classification Summary - May 2015. Collection method: clinical testing. Allele origin: germline.
Comment: Variant summary: KRAS NM_033360 c.*90A>G is located in the untranslated mRNA region downstream of the termination codon. It is also known as NM_004985.5 c.536A>G (p.Lys179Arg). The variant allele was found at a frequency of 8e-06 in 249588 control chromosomes. The available data on variant occurrences in the general population are insufficient to allow any conclusion about variant significance. To our knowledge, no occurrence of c.*90A>G in individuals affected with KRAS-related conditions and no experimental evidence demonstrating its impact on protein function have been reported. ClinVar contains an entry for this variant (Variation ID: 1419488). Based on the evidence outlined above, the variant was classified as uncertain significance.

Labcorp Genetics (formerly Invitae), Labcorp
Classification: Uncertain significance for RASopathy. Last evaluated: 2025-12-14. Review status: criteria provided, single submitter. Criteria: Invitae Variant Classification Sherloc (09022015). Collection method: clinical testing. Allele origin: germline.
Comment: This sequence change replaces lysine, which is basic and polar, with arginine, which is basic and polar, at codon 179 of the KRAS protein (p.Lys179Arg). This variant is present in population databases (rs763736188, gnomAD 0.002%). This variant has not been reported in the literature in individuals affected with KRAS-related conditions. ClinVar contains an entry for this variant (Variation ID: 1419488). Invitae Evidence Modeling incorporating data from in vitro experimental studies (internal data) indicates that this missense variant is not expected to disrupt KRAS function with a negative predictive value of 80%. In summary, the available evidence is currently insufficient to determine the role of this variant in disease. Therefore, it has been classified as a Variant of Uncertain Significance.

NM_004985.5(KRAS):c.536A>G (p.Lys179Arg)

Gene: KRAS (KRas proto-oncogene, GTPase; minus strand). Cytogenetic location: 12p12.1.
Variant type: single nucleotide variant.
Coding change: c.536A>G on transcript NM_004985.5 (MANE Select); coding-DNA position 536, A replaced by G.
Protein change: p.Lys179Arg; replaces lysine 179 with arginine.
Molecular consequence: missense variant. On other transcripts: 3 prime UTR variant (2).
Genome position (GRCh38, 1-based): chr12:25,209,826, T>C on the plus strand (A>G on the coding strand, the complement: KRAS is on the minus strand). VCF-style: chr12-25209826-T-C. GRCh37 (hg19) VCF-style: chr12-25362760-T-C.
Other names: c.*90A>G (NM_001369786.1, NM_033360.4); c.536A>G, p.Lys179Arg (NM_001369787.1); short protein forms K179R.
Identifiers: ClinVar variation 1419488 (VCV001419488.9), dbSNP rs763736188, ClinGen allele CA6486823.
Genomic context (GRCh38, chr12:25,209,826, plus strand): 5'-ATGCCTTAAGAAAAAAGTACAAATTGTATTTACATAATTACACACTTTGTCTTTGACTTC[T>C]TTTTCTTCTTTTTACCATCTTTGCTCATCTTTTCTTTATGTTTTCGAATTTCTCGAACTA-3'
Protein context (NP_004976.2, residues 169-188): KMSKDGKKKK[Lys179Arg]KSKTKCVIM